The following is an entry in ClinVar:

ClinVar aggregate classification (germline): Pathogenic. Review status: criteria provided, multiple submitters, no conflicts (2 of 4 stars). 4 submissions from 4 submitters: Pathogenic (3). 1 of the submissions does not count toward it. Last evaluated 2025-11-02.

Conditions:
KMT2D-related disorder. Also called: KMT2D-Related Disorders.
Choanal atresia-athelia-hypothyroidism-delayed puberty-short stature syndrome (BCAHH). Also called: BRANCHIAL ARCH ABNORMALITIES, CHOANAL ATRESIA, ATHELIA, HEARING LOSS, AND HYPOTHYROIDISM SYNDROME. Identifiers: Orphanet 589856, MedGen C5680310, MONDO:0035651, OMIM 620186.
Kabuki syndrome 1 (KABUK1). Also called: KMT2D-Related Kabuki Syndrome. Identifiers: Orphanet 2322, MedGen CN030661, MONDO:0007843, OMIM 147920.

Submissions (4):

PreventionGenetics, part of Exact Sciences
Classification: Pathogenic for KMT2D-related condition. Last evaluated: 2025-11-02. Review status: criteria provided, single submitter. Criteria: ACMG Guidelines, 2015. Collection method: clinical testing. Allele origin: germline.
Comment: The KMT2D c.15545dupG variant is predicted to result in a frameshift and premature protein termination (p.Leu5183Profs*16). This variant has been reported in individuals with Kabuki syndrome (Bögershausen et al. 2016. PubMed ID: 27302555; Table S1 &S2, Al-Dewik et al . 2019. PubMed ID: 30919572; Table S1, Levy et al. 2022. PubMed ID: 35904121). To our knowledge, this variant has not been reported in a large population database (gnomAD), indicating this variant is rare. Frameshift variants in KMT2D are expected to be pathogenic. This variant is interpreted as pathogenic.

3billion
Classification: Pathogenic for Kabuki syndrome 1. Last evaluated: 2025-10-29. Review status: criteria provided, single submitter. Criteria: ACMG Guidelines, 2015. Collection method: clinical testing. Allele origin: germline. Affected: yes.
Comment: The variant is not observed in the gnomAD v4.1.0 dataset. Predicted Consequence/Location: Frameshift: predicted to result in a loss or disruption of normal protein function through nonsense-mediated decay (NMD) or protein truncation. Multiple pathogenic variants are reported downstream of the variant. The variant has been reported to be associated with KMT2D-related disorder (ClinVar ID: VCV000981767 /PMID: 27302555). Therefore, this variant is classified as Pathogenic according to the recommendation of ACMG/AMP guideline.

Juno Genomics, Hangzhou Juno Genomics, Inc
Classification: Pathogenic for Choanal atresia-athelia-hypothyroidism-delayed puberty-short stature syndrome; Kabuki syndrome 1. Review status: criteria provided, single submitter. Criteria: ACMG Guidelines, 2015. Collection method: clinical testing. Allele origin: germline. Affected: yes.
Comment: Absent from controls (or at extremely low frequency if recessive) in Genome Aggregation Database, Exome Sequencing Project, 1000 Genomes Project, or Exome Aggregation Consortium.;De novo (both maternity and paternity confirmed) in a patient with the disease and no family history.;Null variant in a gene where loss of function (LOF) is a known mechanism of disease.;The prevalence of the variant in affected individuals is significantly increased compared to the prevalence in controls.

Autoinflammatory diseases unit, CHU de Montpellier
Classification: Pathogenic for Kabuki syndrome 1. Last evaluated: 2018-07-03. Review status: no assertion criteria provided. Collection method: clinical testing. Allele origin: unknown. Affected: yes. Not counted in ClinVar's aggregate classification.

Literature cited by the submitters: PubMed 27302555 (cited by 3billion and Autoinflammatory diseases unit, CHU de Montpellier).

NM_003482.4(KMT2D):c.15545dup (p.Leu5183fs)

Gene: KMT2D (lysine methyltransferase 2D; minus strand). Cytogenetic location: 12q13.12.
Variant type: Duplication.
Coding change: c.15545dup on transcript NM_003482.4 (MANE Select); coding-DNA position 15545, one base duplicated (G; older notation c.15545dupG).
Protein change: p.Leu5183fs; shifts the reading frame from leucine 5183.
Molecular consequence: frameshift variant.
Genome position (GRCh38, 1-based): chr12:49,026,421, C duplicated on the plus strand (G on the coding strand, the reverse complement: KMT2D is on the minus strand); the first of 6 consecutive C bases (chr12:49,026,421-49,026,426); duplicating any one gives the same sequence. VCF-style (leftmost placement, unchanged base first): chr12-49026420-G-GC. GRCh37 (hg19) VCF-style: chr12-49420203-G-GC.
Other names: c.15545dupG (NM_003482.3); short protein forms L5183fs.
Identifiers: ClinVar variation 981767 (VCV000981767.6), dbSNP rs1942591784, ClinGen allele CA645594440.